The following is an entry in ClinVar:

NM_001287.6(CLCN7):c.977G>A (p.Arg326Lys)

Gene: CLCN7 (chloride voltage-gated channel 7; minus strand). Cytogenetic location: 16p13.3.
Variant type: single nucleotide variant.
Coding change: c.977G>A on transcript NM_001287.6 (MANE Select); coding-DNA position 977, G replaced by A.
Protein change: p.Arg326Lys; replaces arginine 326 with lysine.
Molecular consequence: missense variant.
Genome position (GRCh38, 1-based): chr16:1,455,735, C>T on the plus strand (G>A on the coding strand, the complement: CLCN7 is on the minus strand). VCF-style: chr16-1455735-C-T. GRCh37 (hg19) VCF-style: chr16-1505736-C-T.
Other names: c.905G>A, p.Arg302Lys (NM_001114331.3); c.977G>A (NM_001287.4); short protein forms R326K, R302K.
Identifiers: ClinVar variation 1482431 (VCV001482431.10), dbSNP rs201377067, ClinGen allele CA7810503.

ClinVar aggregate classification (germline): Uncertain significance. Review status: criteria provided, multiple submitters, no conflicts (2 of 4 stars). 2 submissions from 2 submitters: Uncertain significance (2). Last evaluated 2025-07-23.

Conditions:
Inborn genetic diseases. Identifiers: MedGen C0950123, MeSH D030342.

Allele frequency attached by ClinVar (database versions not stated): ExAC 0.00003; gnomAD 0.00004 and 0.00005; gnomAD exomes 0.00004 and 0.00008; TOPMed 0.00006; ESP Exome Variant Server 0.00015.

Submissions (2):

Labcorp Genetics (formerly Invitae), Labcorp
Classification: Uncertain significance. Last evaluated: 2025-07-23. Review status: criteria provided, single submitter. Criteria: Invitae Variant Classification Sherloc (09022015). Collection method: clinical testing. Allele origin: germline.
Comment: This sequence change replaces arginine, which is basic and polar, with lysine, which is basic and polar, at codon 326 of the CLCN7 protein (p.Arg326Lys). This variant is present in population databases (rs201377067, gnomAD 0.008%). This variant has not been reported in the literature in individuals affected with CLCN7-related conditions. ClinVar contains an entry for this variant (Variation ID: 1482431). Invitae Evidence Modeling of protein sequence and biophysical properties (such as structural, functional, and spatial information, amino acid conservation, physicochemical variation, residue mobility, and thermodynamic stability) indicates that this missense variant is not expected to disrupt CLCN7 protein function with a negative predictive value of 95%. This variant disrupts the p.Arg326 amino acid residue in CLCN7. Other variant(s) that disrupt this residue have been observed in individuals with CLCN7-related conditions (PMID: 26395888, 37704070), which suggests that this may be a clinically significant amino acid residue. In summary, the available evidence is currently insufficient to determine the role of this variant in disease. Therefore, it has been classified as a Variant of Uncertain Significance.

Ambry Genetics
Classification: Uncertain significance for Inborn genetic diseases. Last evaluated: 2024-01-30. Review status: criteria provided, single submitter. Criteria: Ambry Variant Classification Scheme 2023. Collection method: clinical testing. Allele origin: germline.

Literature cited by the submitters: PubMed 26395888 (cited by Labcorp Genetics (formerly Invitae), Labcorp); PubMed 37704070 (cited by Labcorp Genetics (formerly Invitae), Labcorp).